The following is an entry in ClinVar:

ClinVar aggregate classification (germline): Uncertain significance (1 of 4 stars; one submission).

Conditions:
Familial cold autoinflammatory syndrome 2 (FCAS2). Identifiers: Orphanet 247868, MedGen C2673198, MONDO:0012724, OMIM 611762.

gnomAD v4.1: 12 of 1,614,030 alleles (0.00074%); highest among the groups gnomAD compares: East Asian, 0.0022%; no homozygotes.

Submission:

Labcorp Genetics (formerly Invitae), Labcorp
Classification: Uncertain significance for Familial cold autoinflammatory syndrome 2. Last evaluated: 2018-09-21. Review status: criteria provided, single submitter. Criteria: Invitae Variant Classification Sherloc (09022015). Collection method: clinical testing. Allele origin: germline.
Comment: This sequence change affects codon 791 of the NLRP12 mRNA. It is a 'silent' change, meaning that it does not change the encoded amino acid sequence of the NLRP12 protein. This variant is not present in population databases (ExAC no frequency). This variant has not been reported in the literature in individuals with NLRP12-related disease. Algorithms developed to predict the effect of sequence changes on RNA splicing suggest that this variant may create or strengthen a splice site, but this prediction has not been confirmed by published transcriptional studies. In summary, the available evidence is currently insufficient to determine the role of this variant in disease. Therefore, it has been classified as a Variant of Uncertain Significance.

NM_144687.4(NLRP12):c.2373C>T (p.Cys791=)

Gene: NLRP12 (NLR family pyrin domain containing 12; minus strand). Cytogenetic location: 19q13.42.
Variant type: single nucleotide variant.
Coding change: c.2373C>T on transcript NM_144687.4 (MANE Select); coding-DNA position 2373, C replaced by T.
Protein change: p.Cys791=; no amino-acid change (cysteine 791 retained).
Molecular consequence: synonymous variant.
Genome position (GRCh38, 1-based): chr19:53,805,321, G>A on the plus strand (C>T on the coding strand, the complement: NLRP12 is on the minus strand). VCF-style: chr19-53805321-G-A. GRCh37 (hg19) VCF-style: chr19-54308575-G-A.
Other names: c.2376C>T, p.Cys792= (NM_001277126.2); c.2373C>T, p.Cys791= (NM_001277129.1).
Identifiers: ClinVar variation 659443 (VCV000659443.1), dbSNP rs978653815, ClinGen allele CA310065595.